The following is an entry in ClinVar:

NM_000057.4(BLM):c.2097C>A (p.Tyr699Ter)

Gene: BLM (BLM RecQ like helicase; plus strand). Cytogenetic location: 15q26.1.
Variant type: single nucleotide variant.
Coding change: c.2097C>A on transcript NM_000057.4 (MANE Select); coding-DNA position 2097, C replaced by A.
Protein change: p.Tyr699Ter; replaces tyrosine 699 with a stop codon.
Molecular consequence: nonsense.
Genome position (GRCh38, 1-based): chr15:90,765,318, C>A. VCF-style: chr15-90765318-C-A. GRCh37 (hg19) VCF-style: chr15-91308548-C-A.
Other names: c.2097C>A, p.Tyr699Ter (NM_001287246.2, NM_001287247.2); c.972C>A, p.Tyr324Ter (NM_001287248.2); short protein forms Y699*, Y324*.
Identifiers: ClinVar variation 960606 (VCV000960606.8), dbSNP rs1896092339, ClinGen allele CA393844556.
Genomic context (GRCh38, chr15:90,765,318, plus strand): 5'-CAGAACCTGACAGATATTTTTTCATTGTTCTCTTTCAGGAGGTGGTAAGAGTTTGTGTTA[C>A]CAGCTCCCTGCCTGTGTTTCTCCTGGGGTCACTGTTGTCATTTCTCCCTTGAGATCACTT-3'

ClinVar aggregate classification (germline): Pathogenic (1 of 4 stars; one submission).

Conditions:
Bloom syndrome (BLM). Also called: Bloom-Torre-Machacek syndrome. Identifiers: Orphanet 125, MedGen C0005859, MONDO:0008876, OMIM 210900.

gnomAD v4.1: 1 of 1,612,894 alleles (0.000062%); highest among the groups gnomAD compares: Non-Finnish European, 0.000085%; no homozygotes.

Submission:

Labcorp Genetics (formerly Invitae), Labcorp
Classification: Pathogenic for Bloom syndrome. Last evaluated: 2024-09-21. Review status: criteria provided, single submitter. Criteria: Invitae Variant Classification Sherloc (09022015). Collection method: clinical testing. Allele origin: germline.
Comment: This sequence change creates a premature translational stop signal (p.Tyr699*) in the BLM gene. It is expected to result in an absent or disrupted protein product. Loss-of-function variants in BLM are known to be pathogenic (PMID: 17407155). This variant is not present in population databases (gnomAD no frequency). This variant has not been reported in the literature in individuals affected with BLM-related conditions. ClinVar contains an entry for this variant (Variation ID: 960606). For these reasons, this variant has been classified as Pathogenic.

Literature cited by the submitters: PubMed 17407155.